The following is an entry in ClinVar:

ClinVar aggregate classification (germline): Conflicting classifications of pathogenicity. Review status: criteria provided, conflicting classifications (1 of 4 stars). 3 submissions from 3 submitters: Pathogenic (1); Uncertain significance (1). 1 of the submissions does not count toward it. Last evaluated 2024-06-25.

Conditions:
G6PD METAPONTO.
Anemia, nonspherocytic hemolytic, due to G6PD deficiency (CNSHA1). Also called: Hemolytic anemia due to G6PD deficiency; Class I glucose-6-phosphate dehydrogenase deficiency; Favism, susceptibility to; ANEMIA, CONGENITAL, NONSPHEROCYTIC HEMOLYTIC, 1. Identifiers: Orphanet 466026, MedGen C2720289, MONDO:0010480, OMIM 300908.

gnomAD v4.1: 1 of 1,211,269 alleles (0.000083%); highest among the groups gnomAD compares: Non-Finnish European, 0.00011%; no homozygotes.

Submissions (3):

Women's Health and Genetics/Laboratory Corporation of America, LabCorp
Classification: Uncertain significance. Last evaluated: 2024-06-25. Review status: criteria provided, single submitter. Criteria: LabCorp Variant Classification Summary - May 2015. Collection method: clinical testing. Allele origin: germline.
Comment: Variant summary: G6PD c.262G>A (p.Asp88Asn), which is also described as G6PD Metaponto, results in a conservative amino acid change in the encoded protein sequence. Three of four in-silico tools predict a damaging effect of the variant on protein function. The variant was absent in 183372 control chromosomes. The available data on variant occurrences in the general population are insufficient to allow any conclusion about variant significance. c.262G>A has been reported in the literature in asymptomatic hemizygous individuals affected with Glucose 6 Phosphate Dehydrogenase Deficiency (e.g. Vulliamy_1988, Calabro_1990). These report(s) do not provide unequivocal conclusions about association of the variant with Glucose 6 Phosphate Dehydrogenase Deficiency. At least one publication reports experimental evidence evaluating an impact on protein function. The most pronounced variant effect results in >50% of normal enzyme activity (Loges_2021). The following publications have been ascertained in the context of this evaluation (PMID: 2253938, 34532700, 3393536). ClinVar contains an entry for this variant (Variation ID: 10369). Based on the evidence outlined above, the variant was classified as uncertain significance.

Dunham Lab, University of Washington
Classification: Pathogenic for Anemia, nonspherocytic hemolytic, due to G6PD deficiency. Last evaluated: 2022-08-12. Review status: criteria provided, single submitter. Criteria: Bayesian ACMG Guidelines, 2018. Collection method: curation. Allele origin: maternal. Affected: yes.
Comment: Variant found in unrelated hemizygotes with deficiency (PP4, PS4_M). Phenotype transmits with phenotype from mother to son (PP1). Decreased activity in red blood cells (12-39%) (PS3). Not found in gnomAD (PM2). Post_P 0.994 (odds of pathogenicity 1517, Prior_P 0.1).

OMIM
Classification: other for G6PD METAPONTO. Last evaluated: 2017-05-24. Review status: no assertion criteria provided. Collection method: literature only. Allele origin: germline. Not counted in ClinVar's aggregate classification.

Literature cited by the submitters: PubMed 3393536 (cited by Women's Health and Genetics/Laboratory Corporation of America, LabCorp and Dunham Lab, University of Washington); PubMed 2253938 (cited by 3 submitters); PubMed 34532700 (cited by Women's Health and Genetics/Laboratory Corporation of America, LabCorp); PubMed 2321910 (cited by Dunham Lab, University of Washington); PubMed 2503817 (cited by OMIM).

NM_000402.4(G6PD):c.262G>A (p.Asp88Asn)

Gene: G6PD (glucose-6-phosphate dehydrogenase; minus strand). Cytogenetic location: Xq28.
Variant type: single nucleotide variant.
Coding change: c.262G>A on transcript NM_000402.4; coding-DNA position 262, G replaced by A.
Protein change: p.Asp88Asn; replaces aspartic acid 88 with asparagine.
Molecular consequence: missense variant.
Genome position (GRCh38, 1-based): chrX:154,536,032, C>T on the plus strand (G>A on the coding strand, the complement: G6PD is on the minus strand). VCF-style: chrX-154536032-C-T. GRCh37 (hg19) VCF-style: chrX-153764247-C-T.
Other names: G6PD, ASP58ASN; G6PD Metaponto; c.172G>A, p.Asp58Asn (NM_001042351.3, NM_001360016.2); short protein forms D58N, D88N.
Identifiers: ClinVar variation 10369 (VCV000010369.5), dbSNP rs137852315, ClinGen allele CA120957.